The following is an entry in ClinVar:

ClinVar aggregate classification (germline): Uncertain significance (1 of 4 stars; one submission).

Conditions:
PHGDH deficiency. Identifiers: Orphanet 79351, MedGen C1866174, MONDO:0011152, OMIM 601815.

Allele frequency attached by ClinVar (database versions not stated): gnomAD exomes below 0.00001 and 0.00001; gnomAD 0.00001; TOPMed 0.00001.
gnomAD v4.1: 5 of 1,613,982 alleles (0.00031%); highest among the groups gnomAD compares: Non-Finnish European, 0.00042%; no homozygotes.

Submission:

Labcorp Genetics (formerly Invitae), Labcorp
Classification: Uncertain significance for PHGDH deficiency. Last evaluated: 2021-09-01. Review status: criteria provided, single submitter. Criteria: Invitae Variant Classification Sherloc (09022015). Collection method: clinical testing. Allele origin: germline.
Comment: This sequence change replaces histidine with arginine at codon 532 of the PHGDH protein (p.His532Arg). The histidine residue is weakly conserved and there is a small physicochemical difference between histidine and arginine. This variant is not present in population databases (ExAC no frequency). This variant has not been reported in the literature in individuals affected with PHGDH-related conditions. Algorithms developed to predict the effect of missense changes on protein structure and function output the following: SIFT: "Tolerated"; PolyPhen-2: "Benign"; Align-GVGD: "Class C0". The arginine amino acid residue is found in multiple mammalian species, which suggests that this missense change does not adversely affect protein function. In summary, the available evidence is currently insufficient to determine the role of this variant in disease. Therefore, it has been classified as a Variant of Uncertain Significance.

NM_006623.4(PHGDH):c.1595A>G (p.His532Arg)

Gene: PHGDH (phosphoglycerate dehydrogenase; plus strand). Cytogenetic location: 1p12.
Variant type: single nucleotide variant.
Coding change: c.1595A>G on transcript NM_006623.4 (MANE Select); coding-DNA position 1595, A replaced by G.
Protein change: p.His532Arg; replaces histidine 532 with arginine.
Molecular consequence: missense variant.
Genome position (GRCh38, 1-based): chr1:119,744,033, A>G. VCF-style: chr1-119744033-A-G. GRCh37 (hg19) VCF-style: chr1-120286656-A-G.
Other names: short protein forms H532R.
Identifiers: ClinVar variation 1413873 (VCV001413873.5), dbSNP rs959684288, ClinGen allele CA30264010.